The following is an entry in ClinVar:

NM_001282531.3(ADNP):c.551T>G (p.Ile184Ser)

Gene: ADNP (activity dependent neuroprotector homeobox; minus strand). Cytogenetic location: 20q13.13.
Variant type: single nucleotide variant.
Coding change: c.551T>G on transcript NM_001282531.3 (MANE Select); coding-DNA position 551, T replaced by G.
Protein change: p.Ile184Ser; replaces isoleucine 184 with serine.
Molecular consequence: missense variant. On other transcripts: 5 prime UTR variant (1).
Genome position (GRCh38, 1-based): chr20:50,894,163, A>C on the plus strand (T>G on the coding strand, the complement: ADNP is on the minus strand). VCF-style: chr20-50894163-A-C. GRCh37 (hg19) VCF-style: chr20-49510700-A-C.
Other names: c.551T>G, p.Ile184Ser (NM_001282532.2, NM_001347511.2, NM_015339.5 and 1 more transcripts); c.767T>G, p.Ile256Ser (NM_001439000.1); c.-134T>G (NM_001439001.1); short protein forms I184S, I256S.
Identifiers: ClinVar variation 4282258 (VCV004282258.1).
Genomic context (GRCh38, chr20:50,894,163, plus strand): 5'-GATTTTTCTCCTGCCTTTGCTATGTAAGGTGCTGCCACATGCTGAAAATGTTCCCTGTAA[A>C]TGTGCTTCCTAACTATTTCATAAAGAGGATCTCGGTAAGTGCACTTCTTACAGTAATAAA-3'
Protein context (NP_001269460.1, residues 174-194): DPLYEIVRKH[Ile184Ser]YREHFQHVAA

ClinVar aggregate classification (germline): Uncertain significance (1 of 4 stars; one submission).

Submission:

GeneDx
Classification: Uncertain significance. Last evaluated: 2025-04-15. Review status: criteria provided, single submitter. Criteria: GeneDx Variant Classification Process June 2021. Collection method: clinical testing. Allele origin: germline. Affected: yes.
Comment: Not observed at significant frequency in large population cohorts (gnomAD); In silico analysis supports that this missense variant has a deleterious effect on protein structure/function; Has not been previously published as pathogenic or benign to our knowledge